The following continues an entry in ClinVar:

NM_001395891.1(CLASP1):c.196-570C>T

ClinVar aggregate classification (germline): Pathogenic/Likely pathogenic. Pathogenic (13); Likely pathogenic (2).

Submissions 11 to 17 of 17:

Institute of Human Genetics Munich, TUM University Hospital
Classification: Pathogenic for Roifman syndrome. Last evaluated: 2022-12-08. Review status: criteria provided, single submitter. Criteria: Classification criteria August 2017. Collection method: clinical testing. Allele origin: inherited. Inheritance: Autosomal recessive inheritance. Affected: yes. Observed: 1 variant allele.

Fulgent Genetics
Classification: Pathogenic for Osteodysplastic primordial dwarfism, type 1; Lowry-Wood syndrome; Roifman syndrome. Last evaluated: 2022-03-19. Review status: criteria provided, single submitter. Criteria: ACMG Guidelines, 2015. Collection method: clinical testing. Allele origin: unknown.

Undiagnosed Diseases Network, NIH
Classification: Pathogenic for Roifman syndrome. Last evaluated: 2022-01-27. Review status: criteria provided, single submitter. Criteria: ACMG Guidelines, 2015. Collection method: clinical testing. Allele origin: maternal. Inheritance: Autosomal recessive inheritance. Affected: yes. Observed: 1 variant allele, 1 compound heterozygote. Study: Undiagnosed Diseases Network (NIH), UDN.

Beijing Key Laboratry for Genetics of Birth Defects, Beijing Children's Hospital
Classification: Likely pathogenic for Roifman syndrome. Last evaluated: 2020-02-28. Review status: criteria provided, single submitter. Criteria: ACMG Guidelines, 2015. Collection method: clinical testing. Allele origin: germline. Affected: yes. Observed: 1 variant allele.

New York Genome Center
Classification: Pathogenic for Roifman syndrome; Osteodysplastic primordial dwarfism, type 1; Lowry-Wood syndrome. Last evaluated: 2019-05-24. Review status: criteria provided, single submitter. Criteria: NYGC Assertion Criteria 2020. Collection method: clinical testing. Allele origin: germline. Affected: yes. Observed: 1 compound heterozygote. Study: CSER-NYCKidSeq.
Comment: The NR_023343.1:n.16G>A a non coding transcript variant has been observed in the homozygous state or as a compound heterozygous, in trans with another disease-causing variant in association with autosomal recessive Roifman syndrome [MIM#616651] or autosomal recessivemicrocephalic osteodysplastic primordial dwarfism type 1 (MOPD1) [MIM#210710] [PMID: 29391254; PMID: 29263834; PMID:26522830]. The variant has 0.014% allele frequency in the gnomAD database (23 out of 161,196 heterozygous alleles) indicating this is a rare variant. Based on the available evidence, the variant n.16G>A is classified as Pathogenic

OMIM
Classification: Pathogenic for ROIFMAN SYNDROME. Last evaluated: 2015-11-02. Review status: no assertion criteria provided. Collection method: literature only. Allele origin: germline. Not counted in ClinVar's aggregate classification.

NIHR Bioresource Rare Diseases, University of Cambridge
Classification: Likely pathogenic for Roifman syndrome. Review status: no assertion criteria provided. Collection method: research. Allele origin: unknown. Affected: yes. Observed: 3 variant alleles. Not counted in ClinVar's aggregate classification.

Literature cited by the submitters: PubMed 26522830 (cited by 7 submitters); PubMed 28669401 (cited by Labcorp Genetics (formerly Invitae), Labcorp and Undiagnosed Diseases Network, NIH); PubMed 29263834 (cited by 4 submitters); PubMed 29391254 (cited by 5 submitters); PubMed 32595695 (cited by 3 submitters); PubMed 32628740 (cited by 4 submitters); PubMed 32581362 (cited by NIHR Bioresource Rare Diseases, University of Cambridge).